The following is an entry in ClinVar:

ClinVar aggregate classification (germline): Uncertain significance (1 of 4 stars; one submission).

Conditions:
CD164-related disorder. Also called: CD164-related condition.

Allele frequency attached by ClinVar (database versions not stated): gnomAD exomes below 0.00001; TOPMed below 0.00001; gnomAD 0.00001.
gnomAD v4.1: 4 of 1,561,848 alleles (0.00026%); highest among the groups gnomAD compares: Non-Finnish European, 0.00034%; no homozygotes.

Submission:

PreventionGenetics, part of Exact Sciences
Classification: Uncertain significance for CD164-related condition. Last evaluated: 2022-08-24. Review status: criteria provided, single submitter. Criteria: ACMG Guidelines, 2015. Collection method: clinical testing. Allele origin: germline.
Comment: The CD164 c.332-4A>G variant is predicted to interfere with splicing. To our knowledge, this variant has not been reported in the literature. This variant is reported in 0.013% of alleles in individuals of European (Non-Finnish) descent in gnomAD. At this time, the clinical significance of this variant is uncertain due to the absence of conclusive functional and genetic evidence.

NM_006016.6(CD164):c.332-4A>G

Gene: CD164 (CD164 molecule; minus strand). Cytogenetic location: 6q21.
Variant type: single nucleotide variant.
Coding change: c.332-4A>G on transcript NM_006016.6 (MANE Select); 4 bases into the intron before coding-DNA position 332, A replaced by G.
Molecular consequence: intron variant.
Genome position (GRCh38, 1-based): chr6:109,376,116, T>C on the plus strand (A>G on the coding strand, the complement: CD164 is on the minus strand). VCF-style: chr6-109376116-T-C. GRCh37 (hg19) VCF-style: chr6-109697319-T-C.
Other names: c.331+1784A>G (NM_001142401.3); c.332-4A>G (NM_001142402.3, NM_001142404.3, NM_001142403.3); c.230-4A>G (NM_001346500.2).
Identifiers: ClinVar variation 2629296 (VCV002629296.1), dbSNP rs1265838441, ClinGen allele CA569569093.